The following is an entry in ClinVar:

ClinVar aggregate classification (germline): Conflicting classifications of pathogenicity. Review status: criteria provided, conflicting classifications (1 of 4 stars). 5 submissions from 5 submitters: Uncertain significance (4); Likely benign (1). Last evaluated 2024-02-19.

Conditions:
Cardiovascular phenotype. Identifiers: MedGen CN230736.
Brugada syndrome 8 (BRGDA8). Identifiers: Orphanet 130, MedGen C2751083, MONDO:0013148, OMIM 613123.

Allele frequency attached by ClinVar (database versions not stated): ExAC below 0.00001; gnomAD exomes 0.00002 and 0.00001.
gnomAD v4.1: 22 of 1,567,222 alleles (0.0014%); highest among the groups gnomAD compares: Middle Eastern, 0.033%; no homozygotes.

Submissions (5):

Women's Health and Genetics/Laboratory Corporation of America, LabCorp
Classification: Uncertain significance. Last evaluated: 2024-02-19. Review status: criteria provided, single submitter. Criteria: LabCorp Variant Classification Summary - May 2015. Collection method: clinical testing. Allele origin: germline.

Ambry Genetics
Classification: Uncertain significance for Cardiovascular phenotype. Last evaluated: 2023-06-09. Review status: criteria provided, single submitter. Criteria: Ambry Variant Classification Scheme 2023. Collection method: clinical testing. Allele origin: germline.
Comment: The p.G1128V variant (also known as c.3383G>T), located in coding exon 8 of the HCN4 gene, results from a G to T substitution at nucleotide position 3383. The glycine at codon 1128 is replaced by valine, an amino acid with dissimilar properties. This amino acid position is conserved. In addition, the in silico prediction for this alteration is inconclusive. Since supporting evidence is limited at this time, the clinical significance of this alteration remains unclear.

Labcorp Genetics (formerly Invitae), Labcorp
Classification: Uncertain significance for Brugada syndrome 8. Last evaluated: 2023-05-17. Review status: criteria provided, single submitter. Criteria: Invitae Variant Classification Sherloc (09022015). Collection method: clinical testing. Allele origin: germline.
Comment: In summary, the available evidence is currently insufficient to determine the role of this variant in disease. Therefore, it has been classified as a Variant of Uncertain Significance. Advanced modeling of protein sequence and biophysical properties (such as structural, functional, and spatial information, amino acid conservation, physicochemical variation, residue mobility, and thermodynamic stability) performed at Invitae indicates that this missense variant is not expected to disrupt HCN4 protein function. ClinVar contains an entry for this variant (Variation ID: 167168). This variant has not been reported in the literature in individuals affected with HCN4-related conditions. This variant is present in population databases (rs727503957, gnomAD 0.004%). This sequence change replaces glycine, which is neutral and non-polar, with valine, which is neutral and non-polar, at codon 1128 of the HCN4 protein (p.Gly1128Val).

Blueprint Genetics
Classification: Likely benign. Last evaluated: 2022-10-27. Review status: criteria provided, single submitter. Criteria: ACMG Guidelines, 2015. Collection method: clinical testing. Allele origin: germline.

Eurofins Ntd Llc (ga)
Classification: Uncertain significance. Last evaluated: 2014-02-17. Review status: criteria provided, single submitter. Criteria: EGL Classification Definitions 2015. Collection method: clinical testing. Allele origin: germline. Observed: 1 variant allele, 1 heterozygote.

NM_005477.3(HCN4):c.3383G>T (p.Gly1128Val)

Gene: HCN4 (hyperpolarization activated cyclic nucleotide gated potassium channel 4; minus strand). Cytogenetic location: 15q24.1.
Variant type: single nucleotide variant.
Coding change: c.3383G>T on transcript NM_005477.3 (MANE Select); coding-DNA position 3383, G replaced by T.
Protein change: p.Gly1128Val; replaces glycine 1128 with valine.
Molecular consequence: missense variant.
Genome position (GRCh38, 1-based): chr15:73,322,710, C>A on the plus strand (G>T on the coding strand, the complement: HCN4 is on the minus strand). VCF-style: chr15-73322710-C-A. GRCh37 (hg19) VCF-style: chr15-73615051-C-A.
Other names: c.3383G>T (NM_005477.2); short protein forms G1128V.
Identifiers: ClinVar variation 167168 (VCV000167168.16), dbSNP rs727503957, ClinGen allele CA234110.